The following is an entry in ClinVar:

NM_000088.4(COL1A1):c.2667+17G>A

Gene: COL1A1 (collagen type I alpha 1 chain; minus strand). Cytogenetic location: 17q21.33.
Variant type: single nucleotide variant.
Coding change: c.2667+17G>A on transcript NM_000088.4 (MANE Select); 17 bases into the intron after coding-DNA position 2667, G replaced by A.
Molecular consequence: intron variant.
Genome position (GRCh38, 1-based): chr17:50,189,662, C>T on the plus strand (G>A on the coding strand, the complement: COL1A1 is on the minus strand). VCF-style: chr17-50189662-C-T. GRCh37 (hg19) VCF-style: chr17-48267023-C-T.
Identifiers: ClinVar variation 2954656 (VCV002954656.4), dbSNP rs960267278, ClinGen allele CA913012750.

ClinVar aggregate classification (germline): Likely benign. Review status: criteria provided, multiple submitters, no conflicts (2 of 4 stars). 2 submissions from 2 submitters: Likely benign (2). Last evaluated 2026-06-11.

Conditions:
Osteogenesis imperfecta type I (OI1). Also called: OI, TYPE I; OSTEOGENESIS IMPERFECTA TARDA; OSTEOGENESIS IMPERFECTA WITH BLUE SCLERAE; Osteogenesis imperfecta type 1; Lobstein's Disease; Lobstein disease. Identifiers: Orphanet 216796, Orphanet 666, MedGen C0023931, MONDO:0008146, OMIM 166200. Disease mechanism: loss of function.

Submissions (2):

Women's Health and Genetics/Laboratory Corporation of America, LabCorp
Classification: Likely benign. Last evaluated: 2026-06-11. Review status: criteria provided, single submitter. Criteria: LabCorp Variant Classification Summary - May 2015. Collection method: clinical testing. Allele origin: germline.
Comment: Variant summary: COL1A1 c.2667+17G>A alters a non-conserved nucleotide located at a position not widely known to affect splicing. Consensus agreement among computation tools predict no significant impact on normal splicing. However, these predictions have yet to be confirmed by functional studies. The variant was absent in 249936 control chromosomes. The available data on variant occurrences in the general population are insufficient to allow any conclusion about variant significance. To our knowledge, no occurrence of c.2667+17G>A in individuals affected with COL1A1-related conditions and no experimental evidence demonstrating its impact on protein function have been reported. ClinVar contains an entry for this variant (Variation ID: 2954656). Based on the evidence outlined above, the variant was classified as likely benign.

Labcorp Genetics (formerly Invitae), Labcorp
Classification: Likely benign for Osteogenesis imperfecta type I. Last evaluated: 2023-12-30. Review status: criteria provided, single submitter. Criteria: Invitae Variant Classification Sherloc (09022015). Collection method: clinical testing. Allele origin: germline.